The following is an entry in ClinVar:

ClinVar aggregate classification (germline): Uncertain significance (1 of 4 stars; one submission).

Conditions:
Hypertrophic cardiomyopathy 19. Also called: Familial hypertrophic cardiomyopathy 19. Identifiers: MedGen CN077603, MONDO:0013476.

Allele frequency attached by ClinVar (database versions not stated): gnomAD 0.00001; TOPMed 0.00001; ExAC 0.00008; ESP Exome Variant Server 0.00008; gnomAD exomes 0.00003 and 0.00006.
gnomAD v4.1: 81 of 1,603,114 alleles (0.0051%); highest among the groups gnomAD compares: Non-Finnish European, 0.0067%; no homozygotes.

Submission:

Labcorp Genetics (formerly Invitae), Labcorp
Classification: Uncertain significance for Hypertrophic cardiomyopathy 19. Last evaluated: 2025-12-09. Review status: criteria provided, single submitter. Criteria: Invitae Variant Classification Sherloc (09022015). Collection method: clinical testing. Allele origin: germline.
Comment: This sequence change replaces phenylalanine, which is neutral and non-polar, with isoleucine, which is neutral and non-polar, at codon 23 of the CALR3 protein (p.Phe23Ile). This variant is present in population databases (rs368506422, gnomAD 0.008%). This missense change has been observed in individual(s) with hypertrophic cardiomyopathy (PMID: 29988065). ClinVar contains an entry for this variant (Variation ID: 180292). Invitae Evidence Modeling of protein sequence and biophysical properties (such as structural, functional, and spatial information, amino acid conservation, physicochemical variation, residue mobility, and thermodynamic stability) has been performed for this missense variant. However, the output from this modeling did not meet the statistical confidence thresholds required to predict the impact of this variant on CALR3 protein function. In summary, the available evidence is currently insufficient to determine the role of this variant in disease. Therefore, it has been classified as a Variant of Uncertain Significance.

Literature cited by the submitters: PubMed 29988065.

NM_145046.5(CALR3):c.67T>A (p.Phe23Ile)

Gene: CALR3 (calreticulin 3; minus strand). Cytogenetic location: 19p13.11.
Variant type: single nucleotide variant.
Coding change: c.67T>A on transcript NM_145046.5 (MANE Select); coding-DNA position 67, T replaced by A.
Protein change: p.Phe23Ile; replaces phenylalanine 23 with isoleucine.
Molecular consequence: missense variant.
Genome position (GRCh38, 1-based): chr19:16,496,063, A>T on the plus strand (T>A on the coding strand, the complement: CALR3 is on the minus strand). VCF-style: chr19-16496063-A-T. GRCh37 (hg19) VCF-style: chr19-16606874-A-T.
Other names: short protein forms F23I.
Identifiers: ClinVar variation 180292 (VCV000180292.9), dbSNP rs368506422, ClinGen allele CA346239.